The following is an entry in ClinVar:

ClinVar aggregate classification (germline): Uncertain significance (1 of 4 stars; one submission).

Conditions:
Niemann-Pick disease, type C1. Also called: NEUROVISCERAL STORAGE DISEASE WITH VERTICAL SUPRANUCLEAR OPHTHALMOPLEGIA; NIEMANN-PICK DISEASE WITH CHOLESTEROL ESTERIFICATION BLOCK; NIEMANN-PICK DISEASE WITHOUT SPHINGOMYELINASE DEFICIENCY; NIEMANN-PICK DISEASE, CHRONIC NEURONOPATHIC FORM; NIEMANN-PICK DISEASE, VARIANT TYPE C1. Identifiers: Orphanet 646, MedGen C3179455, MONDO:0009757, OMIM 257220.

Allele frequency attached by ClinVar (database versions not stated): gnomAD exomes 0.00001; ExAC 0.00003; gnomAD 0.00004; TOPMed 0.00006.

Submission:

Labcorp Genetics (formerly Invitae), Labcorp
Classification: Uncertain significance for Niemann-Pick disease, type C1. Last evaluated: 2024-09-24. Review status: criteria provided, single submitter. Criteria: Invitae Variant Classification Sherloc (09022015). Collection method: clinical testing. Allele origin: germline.
Comment: This sequence change replaces methionine, which is neutral and non-polar, with valine, which is neutral and non-polar, at codon 1194 of the NPC1 protein (p.Met1194Val). This variant is present in population databases (rs780120393, gnomAD 0.009%). This variant has not been reported in the literature in individuals affected with NPC1-related conditions. ClinVar contains an entry for this variant (Variation ID: 2140777). Invitae Evidence Modeling of protein sequence and biophysical properties (such as structural, functional, and spatial information, amino acid conservation, physicochemical variation, residue mobility, and thermodynamic stability) has been performed for this missense variant. However, the output from this modeling did not meet the statistical confidence thresholds required to predict the impact of this variant on NPC1 protein function. In summary, the available evidence is currently insufficient to determine the role of this variant in disease. Therefore, it has been classified as a Variant of Uncertain Significance.

NM_000271.5(NPC1):c.3580A>G (p.Met1194Val)

Gene: NPC1 (NPC intracellular cholesterol transporter 1; minus strand). Cytogenetic location: 18q11.2.
Variant type: single nucleotide variant.
Coding change: c.3580A>G on transcript NM_000271.5 (MANE Select); coding-DNA position 3580, A replaced by G.
Protein change: p.Met1194Val; replaces methionine 1194 with valine.
Molecular consequence: missense variant.
Genome position (GRCh38, 1-based): chr18:23,534,457, T>C on the plus strand (A>G on the coding strand, the complement: NPC1 is on the minus strand). VCF-style: chr18-23534457-T-C. GRCh37 (hg19) VCF-style: chr18-21114421-T-C.
Other names: short protein forms M1194V.
Identifiers: ClinVar variation 2140777 (VCV002140777.2), dbSNP rs780120393, ClinGen allele CA8912720.